The following is an entry in ClinVar:

NM_004006.3(DMD):c.8214G>A (p.Trp2738Ter)

Gene: DMD (dystrophin; minus strand). Cytogenetic location: Xp21.1.
Variant type: single nucleotide variant.
Coding change: c.8214G>A on transcript NM_004006.3 (MANE Select); coding-DNA position 8214, G replaced by A.
Protein change: p.Trp2738Ter; replaces tryptophan 2738 with a stop codon.
Molecular consequence: nonsense.
Genome position (GRCh38, 1-based): chrX:31,627,676, C>T on the plus strand (G>A on the coding strand, the complement: DMD is on the minus strand). VCF-style: chrX-31627676-C-T. GRCh37 (hg19) VCF-style: chrX-31645793-C-T.
Other names: c.8190G>A, p.Trp2730Ter (NM_000109.4); c.8202G>A, p.Trp2734Ter (NM_004009.3); c.7845G>A, p.Trp2615Ter (NM_004010.3); c.4191G>A, p.Trp1397Ter (NM_004011.4); c.4182G>A, p.Trp1394Ter (NM_004012.4); c.834G>A, p.Trp278Ter (NM_004013.3, NM_004020.4, NM_004021.3 and 2 more transcripts); short protein forms W1394*, W1397*, W2734*, W2738*, W2615*, W278*, W2730*.
Identifiers: ClinVar variation 852294 (VCV000852294.12), dbSNP rs2078916448, ClinGen allele CA412657051.

ClinVar aggregate classification (germline): Pathogenic. Review status: criteria provided, multiple submitters, no conflicts (2 of 4 stars). 2 submissions from 2 submitters: Pathogenic (2). Last evaluated 2023-11-21.

Conditions:
Duchenne muscular dystrophy (DMD). Also called: Duchenne Muscular Dystrophy (DMD); MUSCULAR DYSTROPHY, PSEUDOHYPERTROPHIC PROGRESSIVE, DUCHENNE TYPE. Identifiers: Orphanet 98896, MedGen C0013264, MONDO:0010679, OMIM 310200.

Submissions (2):

GeneDx
Classification: Pathogenic. Last evaluated: 2023-11-21. Review status: criteria provided, single submitter. Criteria: GeneDx Variant Classification Process June 2021. Collection method: clinical testing. Allele origin: germline. Affected: yes.
Comment: Nonsense variant predicted to result in protein truncation or nonsense mediated decay in a gene for which loss of function is a known mechanism of disease; Not observed in large population cohorts (gnomAD); Based on the understanding of this genetic alteration, it may be amenable to nonsense read-through therapy that is currently available or in clinical trial; This variant is associated with the following publications: (PMID: 26968818, 25525159, 28859693, 31443951, 21515508)

Labcorp Genetics (formerly Invitae), Labcorp
Classification: Pathogenic for Duchenne muscular dystrophy. Last evaluated: 2022-02-21. Review status: criteria provided, single submitter. Criteria: Invitae Variant Classification Sherloc (09022015). Collection method: clinical testing. Allele origin: germline.
Comment: This sequence change creates a premature translational stop signal (p.Trp2738*) in the DMD gene. It is expected to result in an absent or disrupted protein product. Loss-of-function variants in DMD are known to be pathogenic (PMID: 16770791, 25007885). For these reasons, this variant has been classified as Pathogenic. ClinVar contains an entry for this variant (Variation ID: 852294). This premature translational stop signal has been observed in individuals with Duchenne muscular dystrophy (PMID: 21515508, 26968818, 28859693). This variant is not present in population databases (gnomAD no frequency).

Literature cited by the submitters: PubMed 16770791 (cited by Labcorp Genetics (formerly Invitae), Labcorp); PubMed 25007885 (cited by Labcorp Genetics (formerly Invitae), Labcorp); PubMed 21515508 (cited by Labcorp Genetics (formerly Invitae), Labcorp); PubMed 26968818 (cited by Labcorp Genetics (formerly Invitae), Labcorp); PubMed 28859693 (cited by Labcorp Genetics (formerly Invitae), Labcorp).